The following is an entry in ClinVar:

ClinVar aggregate classification (germline): Uncertain significance (1 of 4 stars; one submission).

gnomAD v4.1: 6 of 1,611,328 alleles (0.00037%); highest among the groups gnomAD compares: South Asian, 0.0066%; no homozygotes.

Submission:

Labcorp Genetics (formerly Invitae), Labcorp
Classification: Uncertain significance. Last evaluated: 2026-01-11. Review status: criteria provided, single submitter. Criteria: Invitae Variant Classification Sherloc (09022015). Collection method: clinical testing. Allele origin: germline.
Comment: This sequence change replaces leucine, which is neutral and non-polar, with proline, which is neutral and non-polar, at codon 463 of the MKL1 protein (p.Leu463Pro). This variant is present in population databases (no rsID available, gnomAD 0.007%). This variant has not been reported in the literature in individuals affected with MKL1-related conditions. An algorithm developed to predict the effect of missense changes on protein structure and function (PolyPhen-2) suggests that this variant is likely to be disruptive. In summary, the available evidence is currently insufficient to determine the role of this variant in disease. Therefore, it has been classified as a Variant of Uncertain Significance.

NM_020831.6(MRTFA):c.1688T>C (p.Leu563Pro)

Gene: MRTFA (myocardin related transcription factor A; minus strand). Cytogenetic location: 22q13.1.
Variant type: single nucleotide variant.
Coding change: c.1688T>C on transcript NM_020831.6 (MANE Select); coding-DNA position 1688, T replaced by C.
Protein change: p.Leu563Pro; replaces leucine 563 with proline.
Molecular consequence: missense variant.
Genome position (GRCh38, 1-based): chr22:40,419,050, A>G on the plus strand (T>C on the coding strand, the complement: MRTFA is on the minus strand). VCF-style: chr22-40419050-A-G. GRCh37 (hg19) VCF-style: chr22-40815054-A-G.
Other names: c.1388T>C, p.Leu463Pro (NM_001282660.2); c.1538T>C, p.Leu513Pro (NM_001282661.3); c.1688T>C, p.Leu563Pro (NM_001282662.3); c.1493T>C, p.Leu498Pro (NM_001318139.2); short protein forms L463P, L498P, L513P, L563P.
Identifiers: ClinVar variation 4693756 (VCV004693756.1).